The following is an entry in ClinVar:

NM_000212.3(ITGB3):c.155G>T (p.Cys52Phe)

Gene: ITGB3 (integrin subunit beta 3; plus strand). Cytogenetic location: 17q21.32.
Variant type: single nucleotide variant.
Coding change: c.155G>T on transcript NM_000212.3 (MANE Select); coding-DNA position 155, G replaced by T.
Protein change: p.Cys52Phe; replaces cysteine 52 with phenylalanine.
Molecular consequence: missense variant.
Genome position (GRCh38, 1-based): chr17:47,274,494, G>T. VCF-style: chr17-47274494-G-T. GRCh37 (hg19) VCF-style: chr17-45351860-G-T.
Other names: NM_000212.3:c.155G>T; short protein forms C52F.
Identifiers: ClinVar variation 2498371 (VCV002498371.4), dbSNP rs781627407, ClinGen allele CA8622859.

ClinVar aggregate classification (germline): Uncertain significance. Review status: reviewed by expert panel (3 of 4 stars). 2 submissions from 2 submitters: Uncertain significance (1). 1 of the submissions does not count toward it. Last evaluated 2026-03-17.

Conditions:
Glanzmann thrombasthenia. Also called: PLATELET GLYCOPROTEIN IIb-IIIa DEFICIENCY; Thrombasthenia; Glanzmann's thrombasthenia; THROMBASTHENIA OF GLANZMANN AND NAEGELI. Identifiers: Orphanet 849, MedGen C0040015, MONDO:0100326.

Allele frequency attached by ClinVar (database versions not stated): ExAC 0.00002.
gnomAD v4.1: 7 of 1,613,782 alleles (0.00043%); highest among the groups gnomAD compares: Middle Eastern, 0.033%; no homozygotes.

Submissions (2):

ClinGen Platelet Disorders Variant Curation Expert Panel, ClinGen
Classification: Uncertain significance for Glanzmann thrombasthenia. Last evaluated: 2026-03-17. Review status: reviewed by expert panel. Criteria: ClinGen Platelet ACMG Specifications v2-1. Collection method: curation. Allele origin: germline. Inheritance: Autosomal recessive inheritance.
Comment: The NM_000212.3(ITGB3):c.155G>T (p.Cys52Phe) missense variant has been reported in one patient (Patient 5, PMID: 31029159) stated to have clinical diagnosis of Glanzmann thrombasthenia but insufficient information was available to determine if the phenotype is highly specific to GT. It has a REVEL score of 0.989, which is above the ClinGen PD VCEP threshold of >0.7 and predicts a damaging effect on function (PP3). The highest population minor allele frequency in gnomAD v4.1 is 0.0003301 (2/6058 alleles) in the Middle Eastern population, which is above than the ClinGen PD VCEP threshold <0.0001 for PM2_Supporting but below the >0.00158 threshold for BS1. In summary, this variant meets the criteria to be classified as uncertain significance for autosomal recessive Glanzmann Thrombasthenia based on the ACMG/AMP criteria applied, as specified by the ClinGen PD VCEP: PP3 (VCEP specifications version 2.1).

Women's Health and Genetics/Laboratory Corporation of America, LabCorp
Classification: Uncertain significance. Last evaluated: 2026-05-07. Review status: criteria provided, single submitter. Criteria: LabCorp Variant Classification Summary - May 2015. Collection method: clinical testing. Allele origin: germline. Not counted in ClinVar's aggregate classification.
Comment: Variant summary: ITGB3 c.155G>T (p.Cys52Phe) results in a non-conservative amino acid change in the encoded protein sequence. Algorithms developed to predict the effect of missense changes on protein structure and function all suggest that this variant is likely to be disruptive. The variant allele was found at a frequency of 1.6e-05 in 251212 control chromosomes. The available data on variant occurrences in the general population are insufficient to allow any conclusion about variant significance. c.155G>T has been observed in the compound heterozygous state in at least 1 individual(s) affected with Glanzmann Thrombasthenia 2 (example, Zafarghandi_2019) and in the heterozygous state in at least 2 individuals in the UK Biobank study (example, Stefanucci_2023). These data do not allow any conclusion about variant significance. To our knowledge, no experimental evidence demonstrating an impact on protein function has been reported. The following publications have been ascertained in the context of this evaluation (PMID: 31029159, 37647632). ClinVar contains an entry for this variant (Variation ID: 2498371). Based on the evidence outlined above, the variant was classified as uncertain significance.

Literature cited by the submitters: PubMed 37647632 (cited by Women's Health and Genetics/Laboratory Corporation of America, LabCorp); PubMed 31029159 (cited by Women's Health and Genetics/Laboratory Corporation of America, LabCorp).